The following is an entry in ClinVar:

ClinVar aggregate classification (germline): Uncertain significance (1 of 4 stars; one submission).

Conditions:
Congenital myopathy 4B, autosomal recessive. Also called: Nemaline myopathy 1, autosomal dominant or recessive. Identifiers: Orphanet 171433, Orphanet 171439, Orphanet 171881, MedGen C5829889, MONDO:0012239, OMIM 609284.
Congenital myopathy with fiber type disproportion. Also called: Congenital fiber-type disproportion; Congenital fiber-type disproportion myopathy. Identifiers: Orphanet 2020, MedGen C0546264, MONDO:0009711. Inheritance: all.

Submission:

Labcorp Genetics (formerly Invitae), Labcorp
Classification: Uncertain significance for Congenital myopathy with fiber type disproportion; Congenital myopathy 4B, autosomal recessive. Last evaluated: 2022-11-01. Review status: criteria provided, single submitter. Criteria: Invitae Variant Classification Sherloc (09022015). Collection method: clinical testing. Allele origin: germline.
Comment: This variant, c.232_234del, results in the deletion of 1 amino acid(s) of the TPM3 protein (p.Lys78del), but otherwise preserves the integrity of the reading frame. This variant is not present in population databases (gnomAD no frequency). In summary, the available evidence is currently insufficient to determine the role of this variant in disease. Therefore, it has been classified as a Variant of Uncertain Significance. Experimental studies and prediction algorithms are not available or were not evaluated, and the functional significance of this variant is currently unknown. This variant has not been reported in the literature in individuals affected with TPM3-related conditions.

NM_152263.4(TPM3):c.229AAG[1] (p.Lys78del)

Gene: TPM3 (tropomyosin 3; minus strand). Cytogenetic location: 1q21.3.
Variant type: Microsatellite.
Coding change: c.229AAG[1] on transcript NM_152263.4 (MANE Select); one copy of the 3-base unit AAG starting at c.229; the reference has two copies in a row; one copy, 3 bases deleted.
Protein change: p.Lys78del; deletes lysine 78.
Molecular consequence: inframe deletion. On other transcripts: non-coding transcript variant (1).
Genome position (GRCh38, 1-based): chr1:154,191,195-154,191,197, CTT deleted on the plus strand (AAG on the coding strand, the reverse complement: TPM3 is on the minus strand); deleting any 3 consecutive bases within chr1:154,191,195-154,191,202 gives the same sequence; the position shown is the placement nearest the transcript's 3' end. VCF-style (leftmost placement, unchanged base first): chr1-154191194-CCTT-C. GRCh37 (hg19) VCF-style: chr1-154163670-CCTT-C.
Other names: c.229AAG[1], p.Lys78del (NM_001364679.2, NM_001364680.2, NM_001364681.2 and 1 more transcripts); short protein forms K78del.
Identifiers: ClinVar variation 1404111 (VCV001404111.8), dbSNP rs2148294430, ClinGen allele CA2573911337.